The following is an entry in ClinVar:

ClinVar aggregate classification (germline): Uncertain significance (1 of 4 stars; one submission).

Submission:

Labcorp Genetics (formerly Invitae), Labcorp
Classification: Uncertain significance. Last evaluated: 2021-04-14. Review status: criteria provided, single submitter. Criteria: Invitae Variant Classification Sherloc (09022015). Collection method: clinical testing. Allele origin: germline.
Comment: In summary, the available evidence is currently insufficient to determine the role of this variant in disease. Therefore, it has been classified as a Variant of Uncertain Significance. Algorithms developed to predict the effect of missense changes on protein structure and function (SIFT, PolyPhen-2, Align-GVGD) all suggest that this variant is likely to be tolerated, but these predictions have not been confirmed by published functional studies and their clinical significance is uncertain. This variant has not been reported in the literature in individuals with HOXB13-related conditions. This variant is not present in population databases (ExAC no frequency). This sequence change replaces alanine with serine at codon 108 of the HOXB13 protein (p.Ala108Ser). The alanine residue is weakly conserved and there is a moderate physicochemical difference between alanine and serine.

NM_006361.6(HOXB13):c.322G>T (p.Ala108Ser)

Gene: HOXB13 (homeobox B13; minus strand). Cytogenetic location: 17q21.32.
Variant type: single nucleotide variant.
Coding change: c.322G>T on transcript NM_006361.6 (MANE Select); coding-DNA position 322, G replaced by T.
Protein change: p.Ala108Ser; replaces alanine 108 with serine.
Molecular consequence: missense variant.
Genome position (GRCh38, 1-based): chr17:48,728,272, C>A on the plus strand (G>T on the coding strand, the complement: HOXB13 is on the minus strand). VCF-style: chr17-48728272-C-A. GRCh37 (hg19) VCF-style: chr17-46805634-C-A.
Other names: short protein forms A108S.
Identifiers: ClinVar variation 1512050 (VCV001512050.8), dbSNP rs1418361636, ClinGen allele CA400107696.
Genomic context (GRCh38, chr17:48,728,272, plus strand): 5'-CAAACTCAGTGGGGCGGCTGGGGTACTCTTCCCCGGCCGTGGGAGTCTCCGCGGGGTACG[C>A]GGCCAGGGTGGCTGCCTGGGCACAGGGTTTCAGCGAGCTCCGGGACACTCGGCAGGAGTA-3'
Protein context (NP_006352.2, residues 98-118): KPCAQAATLA[Ala108Ser]YPAETPTAGE